The following is an entry in ClinVar:

ClinVar aggregate classification (germline): Likely benign. Review status: criteria provided, single submitter (1 of 4 stars). 2 submissions from 2 submitters: Likely benign (1). 1 of the submissions does not count toward it. Last evaluated 2026-01-22.

Conditions:
Deficiency of malonyl-CoA decarboxylase. Also called: Malonic aciduria; MCD deficiency. Identifiers: Orphanet 943, MedGen C0342793, MONDO:0009556, OMIM 248360.
MLYCD-related disorder. Also called: MLYCD-related condition.

Allele frequency attached by ClinVar (database versions not stated): gnomAD exomes 0.00011 and 0.00028; ExAC 0.00033; ESP Exome Variant Server 0.00074; gnomAD 0.00107 and 0.00114; TOPMed 0.00123; 1000 Genomes Project 0.00140; 1000 Genomes Project 30x 0.00141.
gnomAD v4.1: 327 of 1,614,180 alleles (0.02%); highest among the groups gnomAD compares: African/African-American, 0.38%; 1 homozygote.

Submissions (2):

Labcorp Genetics (formerly Invitae), Labcorp
Classification: Likely benign for Deficiency of malonyl-CoA decarboxylase. Last evaluated: 2026-01-22. Review status: criteria provided, single submitter. Criteria: Invitae Variant Classification Sherloc (09022015). Collection method: clinical testing. Allele origin: germline.

PreventionGenetics, part of Exact Sciences
Classification: Likely benign for MLYCD-related condition. Last evaluated: 2022-09-07. Review status: no assertion criteria provided. Collection method: clinical testing. Allele origin: germline. Not counted in ClinVar's aggregate classification.
Comment: This variant is classified as likely benign based on ACMG/AMP sequence variant interpretation guidelines (Richards et al. 2015 PMID: 25741868, with internal and published modifications).

NM_012213.3(MLYCD):c.686G>A (p.Arg229His)

Gene: MLYCD (malonyl-CoA decarboxylase; plus strand). Cytogenetic location: 16q23.3.
Variant type: single nucleotide variant.
Coding change: c.686G>A on transcript NM_012213.3 (MANE Select); coding-DNA position 686, G replaced by A.
Protein change: p.Arg229His; replaces arginine 229 with histidine.
Molecular consequence: missense variant.
Genome position (GRCh38, 1-based): chr16:83,908,170, G>A. VCF-style: chr16-83908170-G-A. GRCh37 (hg19) VCF-style: chr16-83941775-G-A.
Other names: short protein forms R229H.
Identifiers: ClinVar variation 697439 (VCV000697439.13), dbSNP rs142117752, ClinGen allele CA8197338.